The following is an entry in ClinVar:

ClinVar aggregate classification (germline): Benign/Likely benign. Review status: criteria provided, multiple submitters, no conflicts (2 of 4 stars). 3 submissions from 3 submitters: Benign (1); Likely benign (2). Last evaluated 2025-05-28.

Allele frequency attached by ClinVar (database versions not stated): TOPMed 0.00001; ExAC 0.00012; gnomAD exomes 0.00012 and 0.00032.

Submissions (3):

Labcorp Genetics (formerly Invitae), Labcorp
Classification: Benign. Last evaluated: 2025-05-28. Review status: criteria provided, single submitter. Criteria: Invitae Variant Classification Sherloc (09022015). Collection method: clinical testing. Allele origin: germline.

Blueprint Genetics
Classification: Likely benign. Last evaluated: 2024-09-23. Review status: criteria provided, single submitter. Criteria: ACMG Guidelines, 2015. Collection method: clinical testing. Allele origin: germline.

GeneDx
Classification: Likely benign. Last evaluated: 2018-08-15. Review status: criteria provided, single submitter. Criteria: GeneDx Variant Classification Process June 2021. Collection method: clinical testing. Allele origin: germline. Affected: yes.
Comment: See Variant Classification Assertion Criteria.

NM_005654.6(NR2F1):c.993C>T (p.Asp331=)

Gene: NR2F1 (nuclear receptor subfamily 2 group F member 1; plus strand). Cytogenetic location: 5q15.
Variant type: single nucleotide variant.
Coding change: c.993C>T on transcript NM_005654.6 (MANE Select); coding-DNA position 993, C replaced by T.
Protein change: p.Asp331=; no amino-acid change (aspartic acid 331 retained).
Molecular consequence: synonymous variant.
Genome position (GRCh38, 1-based): chr5:93,593,563, C>T. VCF-style: chr5-93593563-C-T. GRCh37 (hg19) VCF-style: chr5-92929269-C-T.
Other names: c.993C>T (NM_005654.4).
Identifiers: ClinVar variation 1167801 (VCV001167801.11), dbSNP rs202243427, ClinGen allele CA3343222.